The following is an entry in ClinVar:

NM_015386.3(COG4):c.1654_1655del (p.Leu552fs)

Gene: COG4 (component of oligomeric golgi complex 4; minus strand). Cytogenetic location: 16q22.1.
Variant type: Microsatellite.
Coding change: c.1654_1655del on transcript NM_015386.3 (MANE Select); coding-DNA positions 1654 to 1655, 2 bases deleted (CT; older notation c.1654_1655delCT).
Protein change: p.Leu552fs; shifts the reading frame from leucine 552.
Molecular consequence: frameshift variant. On other transcripts: non-coding transcript variant (1), intron variant (1).
Genome position (GRCh38, 1-based): chr16:70,490,385-70,490,386, AG deleted on the plus strand (CT on the coding strand, the reverse complement: COG4 is on the minus strand); deleting any 2 consecutive bases within chr16:70,490,385-70,490,388 gives the same sequence; the c. name uses the placement nearest the transcript's 3' end. VCF-style (leftmost placement, unchanged base first): chr16-70490384-CAG-C. GRCh37 (hg19) VCF-style: chr16-70524287-CAG-C.
Other names: c.1654_1655delCT (NM_015386.2, NM_015386.3); c.1654_1655del (NM_015386.2); c.1228_1229del, p.Leu410fs (NM_001365426.1); c.1635+5880_1635+5881del (NM_001195139.2); short protein forms L410fs, L552fs.
Identifiers: ClinVar variation 523959 (VCV000523959.4), dbSNP rs1333878137, ClinGen allele CA623220300.
Genomic context (GRCh38, chr16:70,490,384, plus strand): 5'-TCGTACCTCCAGTGTCTTCTTCAGAGTGGAGATGTTTTCACTGCAGACTTCCACGTTGTT[CAG>C]AGTCACCTGGGAGATGAGGAAGGAAGAACGTGACTTCCTGCTGACTGTGCCTGCCACCCA-3'

ClinVar aggregate classification (germline): Pathogenic/Likely pathogenic. Review status: criteria provided, multiple submitters, no conflicts (2 of 4 stars). 2 submissions from 2 submitters: Pathogenic (1); Likely pathogenic (1). Last evaluated 2025-08-27.

Conditions:
COG4-related disorder. Also called: COG4-related condition.

Submissions (2):

GeneDx
Classification: Likely pathogenic. Last evaluated: 2025-08-27. Review status: criteria provided, single submitter. Criteria: GeneDx Variant Classification Process June 2021. Collection method: clinical testing. Allele origin: germline. Affected: yes.
Comment: Frameshift variant predicted to result in protein truncation or nonsense mediated decay in a gene for which loss of function is a known mechanism of disease; Not observed at significant frequency in large population cohorts (gnomAD); Has not been previously published as pathogenic or benign to our knowledge

Daryl Scott Lab, Baylor College of Medicine
Classification: Pathogenic for COG4-related disorder. Last evaluated: 2024-01-01. Review status: criteria provided, single submitter. Criteria: ACMG Guidelines, 2015. Collection method: clinical testing. Allele origin: paternal. Observed: 1 heterozygote.
Comment: PVS1, PM2